The following is an entry in ClinVar:

NM_018896.5(CACNA1G):c.6078G>A (p.Thr2026=)

Gene: CACNA1G (calcium voltage-gated channel subunit alpha1 G; plus strand). Cytogenetic location: 17q21.33.
Variant type: single nucleotide variant.
Coding change: c.6078G>A on transcript NM_018896.5 (MANE Select); coding-DNA position 6078, G replaced by A.
Protein change: p.Thr2026=; no amino-acid change (threonine 2026 retained).
Molecular consequence: synonymous variant. On other transcripts: non-coding transcript variant (5).
Genome position (GRCh38, 1-based): chr17:50,623,924, G>A. VCF-style: chr17-50623924-G-A. GRCh37 (hg19) VCF-style: chr17-48701285-G-A.
Other names: c.5889G>A, p.Thr1963= (NM_001256324.2); c.5820G>A, p.Thr1940= (NM_001256325.2); c.5808G>A, p.Thr1936= (NM_001256326.2); c.5778G>A, p.Thr1926= (NM_001256327.2); c.5724G>A, p.Thr1908= (NM_001256328.2); c.5697G>A, p.Thr1899= (NM_001256329.2, NM_198376.3, NM_198387.3); c.5664G>A, p.Thr1888= (NM_001256330.2); c.5643G>A, p.Thr1881= (NM_001256331.2); and 15 more.
Identifiers: ClinVar variation 1984269 (VCV001984269.28), dbSNP rs757058434, ClinGen allele CA8653579.

ClinVar aggregate classification (germline): Likely benign. Review status: criteria provided, multiple submitters, no conflicts (2 of 4 stars). 3 submissions from 3 submitters: Likely benign (3). Last evaluated 2025-03-05.

Allele frequency attached by ClinVar (database versions not stated): ExAC 0.00001; gnomAD 0.00001; gnomAD exomes 0.00002; TOPMed 0.00002.
gnomAD v4.1: 30 of 1,610,166 alleles (0.0019%); highest among the groups gnomAD compares: Non-Finnish European, 0.0024%; no homozygotes.

Submissions (3):

Labcorp Genetics (formerly Invitae), Labcorp
Classification: Likely benign. Last evaluated: 2025-03-05. Review status: criteria provided, single submitter. Criteria: Invitae Variant Classification Sherloc (09022015). Collection method: clinical testing. Allele origin: germline.

Women's Health and Genetics/Laboratory Corporation of America, LabCorp
Classification: Likely benign. Last evaluated: 2024-11-26. Review status: criteria provided, single submitter. Criteria: LabCorp Variant Classification Summary - May 2015. Collection method: clinical testing. Allele origin: germline.

CeGaT Center for Human Genetics Tuebingen
Classification: Likely benign. Last evaluated: 2023-09-01. Review status: criteria provided, single submitter. Criteria: CeGaT Center For Human Genetics Tuebingen Variant Classification Criteria Version 2. Collection method: clinical testing. Allele origin: germline. Affected: yes. Observed: 1 variant allele.
Comment: CACNA1G: BP4, BP7